The following is an entry in ClinVar:

ClinVar aggregate classification (germline): Uncertain significance (1 of 4 stars; one submission).

Conditions:
Developmental and epileptic encephalopathy, 12 (DEE12). Identifiers: MedGen C3150988, MONDO:0013389, OMIM 613722.

Allele frequency attached by ClinVar (database versions not stated): ESP Exome Variant Server 0.00008; TOPMed 0.00011.
gnomAD v4.1: 17 of 1,614,016 alleles (0.0011%); highest among the groups gnomAD compares: African/African-American, 0.023%; no homozygotes.

Submission:

Labcorp Genetics (formerly Invitae), Labcorp
Classification: Uncertain significance for Developmental and epileptic encephalopathy, 12. Last evaluated: 2025-06-02. Review status: criteria provided, single submitter. Criteria: Invitae Variant Classification Sherloc (09022015). Collection method: clinical testing. Allele origin: germline.
Comment: This sequence change replaces isoleucine, which is neutral and non-polar, with methionine, which is neutral and non-polar, at codon 498 of the PNKP protein (p.Ile498Met). This variant is present in population databases (rs368390840, gnomAD 0.008%). This variant has not been reported in the literature in individuals affected with PNKP-related conditions. ClinVar contains an entry for this variant (Variation ID: 1003658). Invitae Evidence Modeling of protein sequence and biophysical properties (such as structural, functional, and spatial information, amino acid conservation, physicochemical variation, residue mobility, and thermodynamic stability) indicates that this missense variant is expected to disrupt PNKP protein function with a positive predictive value of 80%. In summary, the available evidence is currently insufficient to determine the role of this variant in disease. Therefore, it has been classified as a Variant of Uncertain Significance.

NM_007254.4(PNKP):c.1494C>G (p.Ile498Met)

Gene: PNKP (polynucleotide kinase 3'-phosphatase; minus strand). Cytogenetic location: 19q13.33.
Variant type: single nucleotide variant.
Coding change: c.1494C>G on transcript NM_007254.4 (MANE Select); coding-DNA position 1494, C replaced by G.
Protein change: p.Ile498Met; replaces isoleucine 498 with methionine.
Molecular consequence: missense variant.
Genome position (GRCh38, 1-based): chr19:49,861,320, G>C on the plus strand (C>G on the coding strand, the complement: PNKP is on the minus strand). VCF-style: chr19-49861320-G-C. GRCh37 (hg19) VCF-style: chr19-50364577-G-C.
Other names: short protein forms I498M.
Identifiers: ClinVar variation 1003658 (VCV001003658.6), dbSNP rs368390840, ClinGen allele CA9586331.